The following is an entry in ClinVar:

ClinVar aggregate classification (germline): Uncertain significance. Review status: criteria provided, multiple submitters, no conflicts (2 of 4 stars). 4 submissions from 3 submitters: Uncertain significance (4). Last evaluated 2024-03-18.

Conditions:
Glucose-6-phosphate transport defect (GSD1B). Also called: Glycogen Storage Disease Type Ib; GSD Ib. Identifiers: Orphanet 364, Orphanet 79259, MedGen C0268146, MONDO:0009288, OMIM 232220.
Phosphate transport defect (GSD1C). Also called: GLYCOGEN STORAGE DISEASE Ic; GSD Ic. Identifiers: Orphanet 364, Orphanet 79259, MedGen C0342749, OMIM 232240.
Congenital disorder of glycosylation, type IIw. Identifiers: MedGen C5561986, MONDO:0030437, OMIM 619525.

Allele frequency attached by ClinVar (database versions not stated): ExAC 0.00005; gnomAD 0.00006 and 0.00007; ESP Exome Variant Server 0.00008; TOPMed 0.00009.

Submissions (4):

Fulgent Genetics
Classification: Uncertain significance for Glucose-6-phosphate transport defect; Phosphate transport defect; Congenital disorder of glycosylation, type IIw. Last evaluated: 2024-03-18. Review status: criteria provided, single submitter. Criteria: ACMG Guidelines, 2015. Collection method: clinical testing. Allele origin: germline.

Labcorp Genetics (formerly Invitae), Labcorp
Classification: Uncertain significance for Glucose-6-phosphate transport defect. Last evaluated: 2024-01-22. Review status: criteria provided, single submitter. Criteria: Invitae Variant Classification Sherloc (09022015). Collection method: clinical testing. Allele origin: germline.
Comment: This sequence change replaces arginine, which is basic and polar, with cysteine, which is neutral and slightly polar, at codon 166 of the SLC37A4 protein (p.Arg166Cys). This variant is present in population databases (rs11552539, gnomAD 0.03%). This variant has not been reported in the literature in individuals affected with SLC37A4-related conditions. ClinVar contains an entry for this variant (Variation ID: 827988). Advanced modeling of protein sequence and biophysical properties (such as structural, functional, and spatial information, amino acid conservation, physicochemical variation, residue mobility, and thermodynamic stability) performed at Invitae indicates that this missense variant is expected to disrupt SLC37A4 protein function with a positive predictive value of 80%. In summary, the available evidence is currently insufficient to determine the role of this variant in disease. Therefore, it has been classified as a Variant of Uncertain Significance.

Center for Genomics, Ann and Robert H. Lurie Children's Hospital of Chicago
Classification: Uncertain significance for Glucose-6-phosphate transport defect; Congenital disorder of glycosylation, type IIw; Phosphate transport defect. Last evaluated: 2021-12-22. Review status: criteria provided, single submitter. Criteria: ACMG Guidelines, 2015. Collection method: clinical testing. Allele origin: germline.
Comment: SLC37A4 NM_001164277.1 exon5 p.Arg166Cys (c.496C>T): This variant has not been reported in the literature but is present in 0.02% (7/23934) of African alleles in the Genome Aggregation Database. Evolutionary conservation and computational predictive tools suggest that this variant may impact the protein. In summary, data on this variant is insufficient for disease classification. Therefore, the clinical significance of this variant is uncertain.

Center for Genomics, Ann and Robert H. Lurie Children's Hospital of Chicago
Classification: Uncertain significance for Glucose-6-phosphate transport defect; Phosphate transport defect. Last evaluated: 2019-09-04. Review status: criteria provided, single submitter. Criteria: ACMG Guidelines, 2015. Collection method: clinical testing. Allele origin: germline.
Comment: the same text as in the submission from Center for Genomics, Ann and Robert H. Lurie Children's Hospital of Chicago above.

NM_001164277.2(SLC37A4):c.496C>T (p.Arg166Cys)

Gene: SLC37A4 (solute carrier family 37 member 4; minus strand). Cytogenetic location: 11q23.3.
Variant type: single nucleotide variant.
Coding change: c.496C>T on transcript NM_001164277.2 (MANE Select); coding-DNA position 496, C replaced by T.
Protein change: p.Arg166Cys; replaces arginine 166 with cysteine.
Molecular consequence: missense variant.
Genome position (GRCh38, 1-based): chr11:119,027,758, G>A on the plus strand (C>T on the coding strand, the complement: SLC37A4 is on the minus strand). VCF-style: chr11-119027758-G-A. GRCh37 (hg19) VCF-style: chr11-118898468-G-A.
Other names: c.496C>T, p.Arg166Cys (NM_001164278.2, NM_001164280.2, NM_001467.6); c.277C>T, p.Arg93Cys (NM_001164279.2); short protein forms R166C, R93C.
Identifiers: ClinVar variation 827988 (VCV000827988.6), dbSNP rs11552539, ClinGen allele CA6311825.